The following is an entry in ClinVar:

NM_001972.4(ELANE):c.790A>G (p.Ser264Gly)

Gene: ELANE (elastase, neutrophil expressed; plus strand). Cytogenetic location: 19p13.3.
Variant type: single nucleotide variant.
Coding change: c.790A>G on transcript NM_001972.4 (MANE Select); coding-DNA position 790, A replaced by G.
Protein change: p.Ser264Gly; replaces serine 264 with glycine.
Molecular consequence: missense variant.
Genome position (GRCh38, 1-based): chr19:856,150, A>G. VCF-style: chr19-856150-A-G. GRCh37 (hg19) VCF-style: chr19-856150-A-G.
Other names: short protein forms S264G.
Identifiers: ClinVar variation 2128266 (VCV002128266.4), dbSNP rs2035679193, ClinGen allele CA402919541.

ClinVar aggregate classification (germline): Conflicting classifications of pathogenicity. Review status: criteria provided, conflicting classifications (1 of 4 stars). 2 submissions from 2 submitters: Uncertain significance (1); Likely benign (1). Last evaluated 2025-10-26.

Conditions:
Inborn genetic diseases. Identifiers: MedGen C0950123, MeSH D030342.
Cyclical neutropenia. Also called: Cyclic Neutropenia; Cyclic hematopoiesis. Identifiers: Orphanet 2686, MedGen C0221023, MONDO:0008090, OMIM 162800, HP:0040289. Disease mechanism: loss of function.
Neutropenia, severe congenital, 1, autosomal dominant. Identifiers: MedGen C1859966, MONDO:0042490, OMIM 202700.

Submissions (2):

Ambry Genetics
Classification: Likely benign for Inborn genetic diseases. Last evaluated: 2025-10-26. Review status: criteria provided, single submitter. Criteria: Ambry Variant Classification Scheme 2023. Collection method: clinical testing. Allele origin: germline.

Labcorp Genetics (formerly Invitae), Labcorp
Classification: Uncertain significance for Neutropenia, severe congenital, 1, autosomal dominant; Cyclical neutropenia. Last evaluated: 2022-09-16. Review status: criteria provided, single submitter. Criteria: Invitae Variant Classification Sherloc (09022015). Collection method: clinical testing. Allele origin: germline.
Comment: This variant is not present in population databases (gnomAD no frequency). This variant has not been reported in the literature in individuals affected with ELANE-related conditions. Advanced modeling of protein sequence and biophysical properties (such as structural, functional, and spatial information, amino acid conservation, physicochemical variation, residue mobility, and thermodynamic stability) performed at Invitae indicates that this missense variant is not expected to disrupt ELANE protein function. In summary, the available evidence is currently insufficient to determine the role of this variant in disease. Therefore, it has been classified as a Variant of Uncertain Significance. This sequence change replaces serine, which is neutral and polar, with glycine, which is neutral and non-polar, at codon 264 of the ELANE protein (p.Ser264Gly).